The following is an entry in ClinVar:

ClinVar aggregate classification (germline): Uncertain significance (1 of 4 stars; one submission).

Allele frequency attached by ClinVar (database versions not stated): ExAC 0.00002; gnomAD exomes 0.00003; gnomAD 0.00006.
gnomAD v4.1: 82 of 1,607,986 alleles (0.0051%); highest among the groups gnomAD compares: Non-Finnish European, 0.0069%; no homozygotes.

Submission:

Labcorp Genetics (formerly Invitae), Labcorp
Classification: Uncertain significance. Last evaluated: 2025-03-19. Review status: criteria provided, single submitter. Criteria: Invitae Variant Classification Sherloc (09022015). Collection method: clinical testing. Allele origin: germline.
Comment: This sequence change replaces alanine, which is neutral and non-polar, with serine, which is neutral and polar, at codon 1114 of the KIAA0556 protein (p.Ala1114Ser). This variant is present in population databases (rs779855826, gnomAD 0.01%). This variant has not been reported in the literature in individuals affected with KIAA0556-related conditions. ClinVar contains an entry for this variant (Variation ID: 1682066). An algorithm developed to predict the effect of missense changes on protein structure and function outputs the following: PolyPhen-2: "Benign". The serine amino acid residue is found in multiple mammalian species, which suggests that this missense change does not adversely affect protein function. In summary, the available evidence is currently insufficient to determine the role of this variant in disease. Therefore, it has been classified as a Variant of Uncertain Significance.

NM_015202.5(KATNIP):c.3340G>T (p.Ala1114Ser)

Gene: KATNIP (katanin interacting protein; plus strand). Cytogenetic location: 16p12.1.
Variant type: single nucleotide variant.
Coding change: c.3340G>T on transcript NM_015202.5 (MANE Select); coding-DNA position 3340, G replaced by T.
Protein change: p.Ala1114Ser; replaces alanine 1114 with serine.
Molecular consequence: missense variant.
Genome position (GRCh38, 1-based): chr16:27,750,300, G>T. VCF-style: chr16-27750300-G-T. GRCh37 (hg19) VCF-style: chr16-27761621-G-T.
Other names: short protein forms A1114S.
Identifiers: ClinVar variation 1682066 (VCV001682066.6), dbSNP rs779855826, ClinGen allele CA7978195.